The following is an entry in ClinVar:

NM_000132.4(F8):c.74A>G (p.Tyr25Cys)

Gene: F8 (coagulation factor VIII; minus strand). Cytogenetic location: Xq28.
Variant type: single nucleotide variant.
Coding change: c.74A>G on transcript NM_000132.4 (MANE Select); coding-DNA position 74, A replaced by G.
Protein change: p.Tyr25Cys; replaces tyrosine 25 with cysteine.
Molecular consequence: missense variant.
Genome position (GRCh38, 1-based): chrX:155,022,479, T>C on the plus strand (A>G on the coding strand, the complement: F8 is on the minus strand). VCF-style: chrX-155022479-T-C. GRCh37 (hg19) VCF-style: chrX-154250754-T-C.
Other names: short protein forms Y25C.
Identifiers: ClinVar variation 1330957 (VCV001330957.7), dbSNP rs2124174443, ClinGen allele CA414920580.
Genomic context (GRCh38, chrX:155,022,479, plus strand): 5'-ACAGGCAGCTCACCGAGATCACTTTGCATATAGTCCCATGACAGTTCCACTGCACCCAGG[T>C]AGTATCTTCTGGTGGCACTAAAGCAGAATCGCAAAAGGCACAGAAAGAAGCAGGTGGAGA-3'
Protein context (NP_000123.1, residues 15-35): RFCFSATRRY[Tyr25Cys]LGAVELSWDY

ClinVar aggregate classification (germline): Likely pathogenic (1 of 4 stars; one submission).

Conditions:
Hereditary factor VIII deficiency disease (HEMA). Also called: HEMOPHILIA, CLASSIC; AUTOSOMAL HEMOPHILIA A; Hemophilia A; Hemophilia A, congenital; HEM A; Factor 8 deficiency, congenital. Identifiers: Orphanet 98878, MedGen C0019069, MONDO:0010602, OMIM 306700.

Submission:

ARUP Laboratories, Molecular Genetics and Genomics, ARUP Laboratories
Classification: Likely pathogenic for Hereditary factor VIII deficiency disease. Last evaluated: 2020-11-30. Review status: criteria provided, single submitter. Criteria: ARUP Molecular Germline Variant Investigation Process 2021. Collection method: clinical testing. Allele origin: germline.
Comment: The F8 c.74A>G; p.Tyr25Cys variant is reported in the literature in several individuals affected with hemophilia A who exhibited between 4% and 6% of normal clotting activity (Factor VIII database and references therein). This variant is absent from general population databases (Exome Variant Server, Genome Aggregation Database), indicating it is not a common polymorphism. The tyrosine at codon 25 is highly conserved, and computational analyses predict that this variant is deleterious (REVEL: 0.937). Based on available information, this variant is considered to be likely pathogenic. References: Factor VIII database